The following is an entry in ClinVar:

NM_005159.5(ACTC1):c.836C>A (p.Thr279Lys)

Genes: GJD2-DT (GJD2 divergent transcript; plus strand), ACTC1 (actin alpha cardiac muscle 1; minus strand). Cytogenetic location: 15q14.
Variant type: single nucleotide variant.
Coding change: c.836C>A on transcript NM_005159.5 (MANE Select); coding-DNA position 836, C replaced by A.
Protein change: p.Thr279Lys; replaces threonine 279 with lysine.
Molecular consequence: missense variant.
Genome position (GRCh38, 1-based): chr15:34,791,268, G>T on the plus strand (C>A on the coding strand, the complement: ACTC1 is on the minus strand). VCF-style: chr15-34791268-G-T. GRCh37 (hg19) VCF-style: chr15-35083469-G-T.
Other names: c.836C>A, p.Thr279Lys (NM_001406482.1, NM_001406483.1); c.701C>A, p.Thr234Lys (NM_001406484.1); c.395C>A, p.Thr132Lys (NM_001406485.1); short protein forms T132K, T234K, T279K.
Identifiers: ClinVar variation 3756230 (VCV003756230.2).
Genomic context (GRCh38, chr15:34,791,268, plus strand): 5'-TTGTTGGCATACAGGTCCTTGCGGATATCAATGTCACACTTCATGATGCTATTGTAAGTT[G>T]TTTCATGGATGCCAGCAGATTCCATACCTGGGAACGAGTCACACACACACACACACACAC-3'
Protein context (NP_005150.1, residues 269-289): IGMESAGIHE[Thr279Lys]TYNSIMKCDI

ClinVar aggregate classification (germline): Uncertain significance (1 of 4 stars; one submission).

Conditions:
Atrial septal defect 5 (ASD5). Identifiers: Orphanet 1478, MedGen C2748552, MONDO:0013011, OMIM 612794.
Dilated cardiomyopathy 1R (CMD1R). Identifiers: Orphanet 154, Orphanet 54260, MedGen C3150681, MONDO:0013261, OMIM 613424.
Hypertrophic cardiomyopathy 11. Also called: ACTC1-Related Familial Hypertrophic Cardiomyopathy. Identifiers: MedGen C2677506, MONDO:0012799, OMIM 612098.

Submission:

Labcorp Genetics (formerly Invitae), Labcorp
Classification: Uncertain significance for Dilated cardiomyopathy 1R; Hypertrophic cardiomyopathy 11; Atrial septal defect 5. Last evaluated: 2024-05-07. Review status: criteria provided, single submitter. Criteria: Invitae Variant Classification Sherloc (09022015). Collection method: clinical testing. Allele origin: germline.
Comment: This sequence change replaces threonine, which is neutral and polar, with lysine, which is basic and polar, at codon 279 of the ACTC1 protein (p.Thr279Lys). This variant is not present in population databases (gnomAD no frequency). This variant has not been reported in the literature in individuals affected with ACTC1-related conditions. Advanced modeling of protein sequence and biophysical properties (such as structural, functional, and spatial information, amino acid conservation, physicochemical variation, residue mobility, and thermodynamic stability) performed at Invitae indicates that this missense variant is not expected to disrupt ACTC1 protein function with a negative predictive value of 80%. In summary, the available evidence is currently insufficient to determine the role of this variant in disease. Therefore, it has been classified as a Variant of Uncertain Significance.